The following is an entry in ClinVar:

NM_015272.5(RPGRIP1L):c.867T>C (p.Phe289=)

Gene: RPGRIP1L (RPGRIP1 like; minus strand). Cytogenetic location: 16q12.2.
Variant type: single nucleotide variant.
Coding change: c.867T>C on transcript NM_015272.5 (MANE Select); coding-DNA position 867, T replaced by C.
Protein change: p.Phe289=; no amino-acid change (phenylalanine 289 retained).
Molecular consequence: synonymous variant.
Genome position (GRCh38, 1-based): chr16:53,675,032, A>G on the plus strand (T>C on the coding strand, the complement: RPGRIP1L is on the minus strand). VCF-style: chr16-53675032-A-G. GRCh37 (hg19) VCF-style: chr16-53708944-A-G.
Other names: c.867T>C, p.Phe289= (NM_001127897.4, NM_001308334.3, NM_001330538.2); c.867T>C (NM_015272.4).
Identifiers: ClinVar variation 1083295 (VCV001083295.10), dbSNP rs1178591734, ClinGen allele CA495538935.
Genomic context (GRCh38, chr16:53,675,032, plus strand): 5'-CTTTGCATCTCTGTAACATTGTAATAAAATAAATTATCACTGTACCTCTTGAAGCTGAAT[A>G]AATTTTCCTTCCATTGCTGAAAGAGCATTGCTTTTCTCTACTAGCTGTTTATGAAGCTTA-3'
Protein context (NP_056087.2, residues 279-299): SNALSAMEGK[Phe289=]IQLQEKQRTL

ClinVar aggregate classification (germline): Likely benign. Review status: criteria provided, single submitter (1 of 4 stars). 2 submissions from 2 submitters: Likely benign (1). 1 of the submissions does not count toward it. Last evaluated 2023-04-30.

Conditions:
Meckel-Gruber syndrome. Also called: Dysencephalia splachnocystica; GRUBER SYNDROME; DYSENCEPHALIA SPLANCHNOCYSTICA. Identifiers: Orphanet 564, MedGen C0265215, MONDO:0018921.
Joubert syndrome. Also called: Familial aplasia of the vermis; JOUBERT-BOLTSHAUSER SYNDROME. Identifiers: Orphanet 475, MedGen C5979921, MONDO:0018772.
RPGRIP1L-related disorder. Also called: RPGRIP1L-related condition; RPGRIP1L-related disorders. Identifiers: MedGen CN239416.

Allele frequency attached by ClinVar (database versions not stated): gnomAD 0.00001; TOPMed 0.00001; gnomAD exomes below 0.00001.
gnomAD v4.1: 3 of 1,601,454 alleles (0.00019%); highest among the groups gnomAD compares: Admixed American, 0.005%; no homozygotes.

Submissions (2):

Labcorp Genetics (formerly Invitae), Labcorp
Classification: Likely benign for Joubert syndrome; Meckel-Gruber syndrome. Last evaluated: 2023-04-30. Review status: criteria provided, single submitter. Criteria: Invitae Variant Classification Sherloc (09022015). Collection method: clinical testing. Allele origin: germline.

PreventionGenetics, part of Exact Sciences
Classification: Likely benign for RPGRIP1L-related condition. Last evaluated: 2024-06-17. Review status: no assertion criteria provided. Collection method: clinical testing. Allele origin: germline. Not counted in ClinVar's aggregate classification.
Comment: This variant is classified as likely benign based on ACMG/AMP sequence variant interpretation guidelines (Richards et al. 2015 PMID: 25741868, with internal and published modifications).